The following is an entry in ClinVar:

NM_001999.4(FBN2):c.611G>T (p.Gly204Val)

Gene: FBN2 (fibrillin 2; minus strand). Cytogenetic location: 5q23.3.
Variant type: single nucleotide variant.
Coding change: c.611G>T on transcript NM_001999.4 (MANE Select); coding-DNA position 611, G replaced by T.
Protein change: p.Gly204Val; replaces glycine 204 with valine.
Molecular consequence: missense variant.
Genome position (GRCh38, 1-based): chr5:128,519,290, C>A on the plus strand (G>T on the coding strand, the complement: FBN2 is on the minus strand). VCF-style: chr5-128519290-C-A. GRCh37 (hg19) VCF-style: chr5-127854983-C-A.
Other names: short protein forms G204V.
Identifiers: ClinVar variation 3641290 (VCV003641290.2).
Genomic context (GRCh38, chr5:128,519,290, plus strand): 5'-AAATAGACTTCTTCAGAAAGTAAAGTCTCATTTCTCTTCTTACCTCTTTCACACTGTGGA[C>A]CAGTGAACCCATAAACACAAGCACAGCGGTTGGGTCCGATGCAACGTCCACCATTCTGAC-3'
Protein context (NP_001990.2, residues 194-214): NRCACVYGFT[Gly204Val]PQCERDYRTG

ClinVar aggregate classification (germline): Uncertain significance (1 of 4 stars; one submission).

Conditions:
Congenital contractural arachnodactyly (CCA). Also called: BEALS SYNDROME; Arthrogryposis, distal, type 9; Beals-Hecht syndrome. Identifiers: Orphanet 115, MedGen C0220668, MONDO:0007363, OMIM 121050.

Submission:

Labcorp Genetics (formerly Invitae), Labcorp
Classification: Uncertain significance for Congenital contractural arachnodactyly. Last evaluated: 2024-02-16. Review status: criteria provided, single submitter. Criteria: Invitae Variant Classification Sherloc (09022015). Collection method: clinical testing. Allele origin: germline.
Comment: This sequence change replaces glycine, which is neutral and non-polar, with valine, which is neutral and non-polar, at codon 204 of the FBN2 protein (p.Gly204Val). This variant is not present in population databases (gnomAD no frequency). This variant has not been reported in the literature in individuals affected with FBN2-related conditions. Advanced modeling of protein sequence and biophysical properties (such as structural, functional, and spatial information, amino acid conservation, physicochemical variation, residue mobility, and thermodynamic stability) performed at Invitae indicates that this missense variant is expected to disrupt FBN2 protein function with a positive predictive value of 80%. In summary, the available evidence is currently insufficient to determine the role of this variant in disease. Therefore, it has been classified as a Variant of Uncertain Significance.